The following is an entry in ClinVar:

NM_000492.4(CFTR):c.1766+2del

Gene: CFTR (CF transmembrane conductance regulator; plus strand). Cytogenetic location: 7q31.2.
Variant type: Deletion.
Coding change: c.1766+2del on transcript NM_000492.4 (MANE Select); the canonical splice donor site of the intron after coding-DNA position 1766, one base deleted (T; older notation c.1766+2delT).
Molecular consequence: splice donor variant.
Genome position (GRCh38, 1-based): chr7:117,590,441, T deleted. VCF-style (leftmost placement, unchanged base first): chr7-117590440-GT-G. GRCh37 (hg19) VCF-style: chr7-117230494-GT-G.
Identifiers: ClinVar variation 4818484 (VCV004818484.1).

ClinVar aggregate classification (germline): Pathogenic (1 of 4 stars; one submission).

Conditions:
CFTR-related disorder (CFTR-RD). Also called: CFTR-related disorders; CFTR-related condition. Identifiers: MedGen C5924204, MONDO:7770004.

Submission:

Natera, Inc.
Classification: Pathogenic for CFTR-related disorders. Last evaluated: 2025-04-21. Review status: criteria provided, single submitter. Criteria: Natera Variant Classification Schema (03/2026). Collection method: clinical testing. Allele origin: germline.
Comment: The c.1766+2delT variant in CFTR is a canonical splice donor site variant predicted to affect pre-mRNA splicing, which may result in an abnormal transcript and altered protein product. This variant is expected to result in nonsense mediated decay, truncation, or a dysfunctional protein product. This variant is rare in the general population with a frequency below the threshold expected for the associated phenotype(s). Another variant at this same site results in an alteration predicted to cause a similar molecular effect has been observed in individual(s) with the associated phenotype. Given the available evidence, this variant is classified as Pathogenic.